The following is an entry in ClinVar:

NM_000051.4(ATM):c.3348G>A (p.Gln1116=)

Gene: ATM (ATM serine/threonine kinase; plus strand). Cytogenetic location: 11q22.3.
Variant type: single nucleotide variant.
Coding change: c.3348G>A on transcript NM_000051.4 (MANE Select); coding-DNA position 3348, G replaced by A.
Protein change: p.Gln1116=; no amino-acid change (glutamine 1116 retained).
Molecular consequence: synonymous variant.
Genome position (GRCh38, 1-based): chr11:108,279,554, G>A. VCF-style: chr11-108279554-G-A. GRCh37 (hg19) VCF-style: chr11-108150281-G-A.
Other names: c.3348G>A, p.Gln1116= (NM_001351834.2).
Identifiers: ClinVar variation 3253951 (VCV003253951.1), dbSNP rs2135644087.

ClinVar aggregate classification (germline): Benign (1 of 4 stars; one submission).

Conditions:
Familial cancer of breast. Also called: BREAST CANCER, FAMILIAL; Hereditary breast cancer; hereditary breast carcinoma. Identifiers: Orphanet 227535, MedGen C0346153, MONDO:0016419, OMIM 114480. Disease mechanism: loss of function.

Submission:

Myriad Genetics, Inc.
Classification: Benign for Familial cancer of breast. Last evaluated: 2024-05-14. Review status: criteria provided, single submitter. Criteria: Myriad Autosomal Dominant, Autosomal Recessive and X-Linked Classification Criteria (2023). Collection method: clinical testing. Allele origin: unknown.
Comment: This variant is considered benign. This variant is a silent/synonymous amino acid change and it is not expected to impact splicing.